The following is an entry in ClinVar:

ClinVar aggregate classification (germline): Uncertain significance. Review status: criteria provided, multiple submitters, no conflicts (2 of 4 stars). 2 submissions from 2 submitters: Uncertain significance (2). Last evaluated 2025-08-20.

Conditions:
Dilated cardiomyopathy 1O (CMD1O). Also called: CARDIOMYOPATHY, DILATED, WITH VENTRICULAR TACHYCARDIA. Identifiers: Orphanet 154, MedGen C1837839, MONDO:0012062, OMIM 608569.
Cardiovascular phenotype. Identifiers: MedGen CN230736.

Allele frequency attached by ClinVar (database versions not stated): gnomAD exomes 0.00001; TOPMed 0.00001; ExAC 0.00002; gnomAD 0.00002.
gnomAD v4.1: 9 of 1,612,378 alleles (0.00056%); highest among the groups gnomAD compares: African/African-American, 0.004%; no homozygotes.

Submissions (2):

Labcorp Genetics (formerly Invitae), Labcorp
Classification: Uncertain significance for Dilated cardiomyopathy 1O. Last evaluated: 2025-08-20. Review status: criteria provided, single submitter. Criteria: Invitae Variant Classification Sherloc (09022015). Collection method: clinical testing. Allele origin: germline.
Comment: This sequence change replaces alanine, which is neutral and non-polar, with valine, which is neutral and non-polar, at codon 467 of the ABCC9 protein (p.Ala467Val). This variant is present in population databases (rs770976719, gnomAD 0.003%). This variant has not been reported in the literature in individuals affected with ABCC9-related conditions. ClinVar contains an entry for this variant (Variation ID: 1005992). Invitae Evidence Modeling of protein sequence and biophysical properties (such as structural, functional, and spatial information, amino acid conservation, physicochemical variation, residue mobility, and thermodynamic stability) indicates that this missense variant is expected to disrupt ABCC9 protein function with a positive predictive value of 95%. In summary, the available evidence is currently insufficient to determine the role of this variant in disease. Therefore, it has been classified as a Variant of Uncertain Significance.

Ambry Genetics
Classification: Uncertain significance for Cardiovascular phenotype. Last evaluated: 2022-03-21. Review status: criteria provided, single submitter. Criteria: Ambry Variant Classification Scheme 2023. Collection method: clinical testing. Allele origin: germline.
Comment: The p.A467V variant (also known as c.1400C>T), located in coding exon 9 of the ABCC9 gene, results from a C to T substitution at nucleotide position 1400. The alanine at codon 467 is replaced by valine, an amino acid with similar properties. This amino acid position is highly conserved in available vertebrate species. In addition, the in silico prediction for this alteration is inconclusive. Since supporting evidence is limited at this time, the clinical significance of this alteration remains unclear.

NM_020297.4(ABCC9):c.1400C>T (p.Ala467Val)

Gene: ABCC9 (ATP binding cassette subfamily C member 9; minus strand). Cytogenetic location: 12p12.1.
Variant type: single nucleotide variant.
Coding change: c.1400C>T on transcript NM_020297.4 (MANE Select); coding-DNA position 1400, C replaced by T.
Protein change: p.Ala467Val; replaces alanine 467 with valine.
Molecular consequence: missense variant.
Genome position (GRCh38, 1-based): chr12:21,908,132, G>A on the plus strand (C>T on the coding strand, the complement: ABCC9 is on the minus strand). VCF-style: chr12-21908132-G-A. GRCh37 (hg19) VCF-style: chr12-22061066-G-A.
Other names: c.1400C>T, p.Ala467Val (NM_001377273.1, NM_005691.4); c.536C>T, p.Ala179Val (NM_001377274.1); short protein forms A179V, A467V.
Identifiers: ClinVar variation 1005992 (VCV001005992.10), dbSNP rs770976719, ClinGen allele CA6481665.